The following is an entry in ClinVar:

NM_021224.6(ZNF462):c.1648C>T (p.Pro550Ser)

Gene: ZNF462 (zinc finger protein 462; plus strand). Cytogenetic location: 9q31.2.
Variant type: single nucleotide variant.
Coding change: c.1648C>T on transcript NM_021224.6 (MANE Select); coding-DNA position 1648, C replaced by T.
Protein change: p.Pro550Ser; replaces proline 550 with serine.
Molecular consequence: missense variant.
Genome position (GRCh38, 1-based): chr9:106,925,560, C>T. VCF-style: chr9-106925560-C-T. GRCh37 (hg19) VCF-style: chr9-109687841-C-T.
Other names: c.1648C>T, p.Pro550Ser (NM_001347997.2); short protein forms P550S.
Identifiers: ClinVar variation 2358887 (VCV002358887.22), dbSNP rs200388230, ClinGen allele CA5171372.

ClinVar aggregate classification (germline): Likely benign. Review status: criteria provided, multiple submitters, no conflicts (2 of 4 stars). 2 submissions from 2 submitters: Likely benign (2). Last evaluated 2025-07-01.

Conditions:
Inborn genetic diseases. Identifiers: MedGen C0950123, MeSH D030342.

Allele frequency attached by ClinVar (database versions not stated): gnomAD 0.00008; TOPMed 0.00008; gnomAD exomes 0.00012; ExAC 0.00013; 1000 Genomes Project 30x 0.00016; 1000 Genomes Project 0.00020.
gnomAD v4.1: 189 of 1,612,558 alleles (0.012%); highest among the groups gnomAD compares: Non-Finnish European, 0.015%; no homozygotes.

Submissions (2):

CeGaT Center for Human Genetics Tuebingen
Classification: Likely benign. Last evaluated: 2025-07-01. Review status: criteria provided, single submitter. Criteria: CeGaT Center For Human Genetics Tuebingen Variant Classification Criteria Version 2. Collection method: clinical testing. Allele origin: germline. Affected: yes. Observed: 2 variant alleles.
Comment: ZNF462: BP4

Ambry Genetics
Classification: Likely benign for Inborn genetic diseases. Last evaluated: 2022-12-06. Review status: criteria provided, single submitter. Criteria: Ambry Variant Classification Scheme 2023. Collection method: clinical testing. Allele origin: germline.